The following is an entry in ClinVar:

ClinVar aggregate classification (germline): Likely pathogenic. Review status: criteria provided, multiple submitters, no conflicts (2 of 4 stars). 2 submissions from 2 submitters: Likely pathogenic (2). Last evaluated 2025-03-05.

Conditions:
Progressive sclerosing poliodystrophy (MTDPS4A). Also called: ALPERS PROGRESSIVE INFANTILE POLIODYSTROPHY; NEURONAL DEGENERATION OF CHILDHOOD WITH LIVER DISEASE, PROGRESSIVE; Mitochondrial DNA Depletion Syndrome 4A; Alpers-Huttenlocher Syndrome (AHS); Alpers Syndrome; ALPERS DIFFUSE DEGENERATION OF CEREBRAL GRAY MATTER WITH HEPATIC CIRRHOSIS. Identifiers: Orphanet 726, MedGen C0205710, MONDO:0008758, OMIM 203700.

Submissions (2):

Labcorp Genetics (formerly Invitae), Labcorp
Classification: Likely pathogenic for Progressive sclerosing poliodystrophy. Last evaluated: 2025-03-05. Review status: criteria provided, single submitter. Criteria: Invitae Variant Classification Sherloc (09022015). Collection method: clinical testing. Allele origin: germline.
Comment: This sequence change affects a donor splice site in intron 9 of the POLG gene. It is expected to disrupt RNA splicing. Variants that disrupt the donor or acceptor splice site typically lead to a loss of protein function (PMID: 16199547), and loss-of-function variants in POLG are known to be pathogenic (PMID: 18546365). This variant is not present in population databases (gnomAD no frequency). This variant has not been reported in the literature in individuals affected with POLG-related conditions. ClinVar contains an entry for this variant (Variation ID: 3240172). Algorithms developed to predict the effect of sequence changes on RNA splicing suggest that this variant may disrupt the consensus splice site. In summary, the currently available evidence indicates that the variant is pathogenic, but additional data are needed to prove that conclusively. Therefore, this variant has been classified as Likely Pathogenic.

Baylor Genetics
Classification: Likely pathogenic for Progressive sclerosing poliodystrophy. Last evaluated: 2024-03-10. Review status: criteria provided, single submitter. Criteria: ACMG Guidelines, 2015. Collection method: clinical testing. Allele origin: unknown.

Literature cited by the submitters: PubMed 16199547 (cited by Labcorp Genetics (formerly Invitae), Labcorp); PubMed 18546365 (cited by Labcorp Genetics (formerly Invitae), Labcorp).

NM_002693.3(POLG):c.1712+2T>G

Gene: POLG (DNA polymerase gamma, catalytic subunit; minus strand). Cytogenetic location: 15q26.1.
Variant type: single nucleotide variant.
Coding change: c.1712+2T>G on transcript NM_002693.3 (MANE Select); the canonical splice donor site of the intron after coding-DNA position 1712, T replaced by G.
Molecular consequence: splice donor variant.
Genome position (GRCh38, 1-based): chr15:89,326,610, A>C on the plus strand (T>G on the coding strand, the complement: POLG is on the minus strand). VCF-style: chr15-89326610-A-C. GRCh37 (hg19) VCF-style: chr15-89869841-A-C.
Other names: c.1712+2T>G (NM_001126131.2).
Identifiers: ClinVar variation 3240172 (VCV003240172.2), dbSNP rs2509252741.